The following is an entry in ClinVar:

ClinVar aggregate classification (germline): Uncertain significance (1 of 4 stars; one submission).

Conditions:
Norman-Roberts syndrome (LIS2). Also called: Lissencephaly 2 (Norman-Roberts type). Identifiers: Orphanet 89844, MedGen C0796089, MONDO:0009760, OMIM 257320.
Familial temporal lobe epilepsy 7. Identifiers: Orphanet 101046, MedGen C4225327, MONDO:0014639, OMIM 616436.

Allele frequency attached by ClinVar (database versions not stated): TOPMed below 0.00001; gnomAD 0.00001.
gnomAD v4.1: 1 of 1,614,012 alleles (0.000062%); highest among the groups gnomAD compares: Non-Finnish European, 0.000085%; no homozygotes.

Submission:

Labcorp Genetics (formerly Invitae), Labcorp
Classification: Uncertain significance for Familial temporal lobe epilepsy 7; Norman-Roberts syndrome. Last evaluated: 2021-12-27. Review status: criteria provided, single submitter. Criteria: Invitae Variant Classification Sherloc (09022015). Collection method: clinical testing. Allele origin: germline.
Comment: In summary, the available evidence is currently insufficient to determine the role of this variant in disease. Therefore, it has been classified as a Variant of Uncertain Significance. Algorithms developed to predict the effect of missense changes on protein structure and function are either unavailable or do not agree on the potential impact of this missense change (SIFT: "Deleterious"; PolyPhen-2: "Benign"; Align-GVGD: "Class C0"). This variant has not been reported in the literature in individuals affected with RELN-related conditions. This variant is not present in population databases (gnomAD no frequency). This sequence change replaces serine, which is neutral and polar, with proline, which is neutral and non-polar, at codon 2257 of the RELN protein (p.Ser2257Pro).

NM_005045.4(RELN):c.6769T>C (p.Ser2257Pro)

Gene: RELN (reelin; minus strand). Cytogenetic location: 7q22.1.
Variant type: single nucleotide variant.
Coding change: c.6769T>C on transcript NM_005045.4 (MANE Select); coding-DNA position 6769, T replaced by C.
Protein change: p.Ser2257Pro; replaces serine 2257 with proline.
Molecular consequence: missense variant.
Genome position (GRCh38, 1-based): chr7:103,540,358, A>G on the plus strand (T>C on the coding strand, the complement: RELN is on the minus strand). VCF-style: chr7-103540358-A-G. GRCh37 (hg19) VCF-style: chr7-103180805-A-G.
Other names: c.6769T>C, p.Ser2257Pro (NM_173054.3); short protein forms S2257P.
Identifiers: ClinVar variation 1950071 (VCV001950071.5), dbSNP rs1381836027, ClinGen allele CA368769999.